The following is an entry in ClinVar:

ClinVar aggregate classification (germline): Pathogenic (1 of 4 stars; one submission).

Submission:

ISCA Site 6
Classification: Pathogenic. Last evaluated: 2011-08-12. Review status: criteria provided, single submitter. Criteria: Kaminsky et al. (Genet Med. 2011). Collection method: clinical testing. Allele origin: unknown. Affected: yes. Observed: 1 variant allele.
Comment: Copy number variation identified through the course of routine clinical cytogenomic testing in postnatal populations. Clinical assertions have been curated as described in Kaminsky et al. 2011.

GRCh38/hg38 9p24.3-24.1(chr9:220253-6073001)x1

Genes: AK3 (adenylate kinase 3; minus strand), BRD10 (bromodomain containing 10; minus strand), CD274 (CD274 molecule; plus strand), CDC37L1 (cell division cycle 37 like 1, HSP90 cochaperone; plus strand), CDC37L1-DT (CDC37L1 divergent transcript; minus strand) and 171 more. Cytogenetic location: 9p24.3-24.1.
Variant type: copy number loss.
Change: copy number 1 (one copy instead of two) of chr9:220,253-6,073,001 (5.85 Mb, GRCh38 coordinates, 1-based), cytogenetic band 9p24.3-24.1.
Identifiers: ClinVar variation 59062 (VCV000059062.2).